The following is an entry in ClinVar:

NC_000017.10:g.(?_10436582)_(10600824_?)dup

Genes: SCO1 (synthesis of cytochrome C oxidase 1; minus strand), MYH2 (myosin heavy chain 2; minus strand), MYH3 (myosin heavy chain 3; minus strand). Cytogenetic location: 17p13.1.
Variant type: Duplication.
Identifiers: ClinVar variation 2426324 (VCV002426324.8).

ClinVar aggregate classification (germline): Uncertain significance (1 of 4 stars; one submission).

Conditions:
Myopathy, proximal, and ophthalmoplegia (CMYO6). Also called: MYOPATHY WITH CONGENITAL JOINT CONTRACTURES, OPHTHALMOPLEGIA, AND RIMMED VACUOLES; INCLUSION BODY MYOPATHY 3, AUTOSOMAL DOMINANT; CONGENITAL MYOPATHY 6 WITH OPHTHALMOPLEGIA. Identifiers: Orphanet 363677, Orphanet 79091, MedGen C1854106, MONDO:0011577, OMIM 605637.

Submission:

Labcorp Genetics (formerly Invitae), Labcorp
Classification: Uncertain significance for Myopathy, proximal, and ophthalmoplegia. Last evaluated: 2022-05-29. Review status: criteria provided, single submitter. Criteria: Invitae Variant Classification Sherloc (09022015). Collection method: clinical testing. Allele origin: germline.
Comment: This variant results in a copy number gain of the genomic region encompassing exon(s) 1-21 of the MYH2 gene. This region includes the initiator codon of the gene. This copy number gain extends beyond the assayed region for this gene and therefore may encompass additional genes. As the precise location of this event is unknown, it may be in tandem or it may be located elsewhere in the genome. This variant has not been reported in the literature in individuals affected with MYH2-related conditions. In summary, the available evidence is currently insufficient to determine the role of this variant in disease. Therefore, it has been classified as a Variant of Uncertain Significance.